The following is an entry in ClinVar:

NM_004364.5(CEBPA):c.1011G>C (p.Thr337=)

Gene: CEBPA (CCAAT enhancer binding protein alpha; minus strand). Cytogenetic location: 19q13.11.
Variant type: single nucleotide variant.
Coding change: c.1011G>C on transcript NM_004364.5 (MANE Select); coding-DNA position 1011, G replaced by C.
Protein change: p.Thr337=; no amino-acid change (threonine 337 retained).
Molecular consequence: synonymous variant.
Genome position (GRCh38, 1-based): chr19:33,301,404, C>G on the plus strand (G>C on the coding strand, the complement: CEBPA is on the minus strand). VCF-style: chr19-33301404-C-G. GRCh37 (hg19) VCF-style: chr19-33792310-C-G.
Other names: c.654G>C, p.Thr218= (NM_001285829.2); c.1116G>C, p.Thr372= (NM_001287424.2); c.969G>C, p.Thr323= (NM_001287435.2).
Identifiers: ClinVar variation 2699389 (VCV002699389.3), dbSNP rs2145258360, ClinGen allele CA507006963.

ClinVar aggregate classification (germline): Uncertain significance (1 of 4 stars; one submission).

Conditions:
Acute myeloid leukemia (AML). Also called: Acute myeloid leukemia, adult; AML adult; Acute non-lymphocytic leukemia; Acute granulocytic leukemia; Leukemia, acute myeloid, somatic; Leukemia, acute myelogenous, somatic. Identifiers: Orphanet 519, MedGen C0023467, MeSH D015470, MONDO:0018874, OMIM 601626, HP:0004808. Disease mechanism: Constitutively activated FLT3.

Submission:

Labcorp Genetics (formerly Invitae), Labcorp
Classification: Uncertain significance for Acute myeloid leukemia. Last evaluated: 2023-11-28. Review status: criteria provided, single submitter. Criteria: Invitae Variant Classification Sherloc (09022015). Collection method: clinical testing. Allele origin: germline.
Comment: This sequence change affects codon 337 of the CEBPA mRNA. It is a 'silent' change, meaning that it does not change the encoded amino acid sequence of the CEBPA protein. This variant is not present in population databases (gnomAD no frequency). This variant has not been reported in the literature in individuals affected with CEBPA-related conditions. In summary, the available evidence is currently insufficient to determine the role of this variant in disease. Therefore, it has been classified as a Variant of Uncertain Significance.